The following is an entry in ClinVar:

NM_006204.4(PDE6C):c.2202A>C (p.Gln734His)

Gene: PDE6C (phosphodiesterase 6C; plus strand). Cytogenetic location: 10q23.33.
Variant type: single nucleotide variant.
Coding change: c.2202A>C on transcript NM_006204.4 (MANE Select); coding-DNA position 2202, A replaced by C.
Protein change: p.Gln734His; replaces glutamine 734 with histidine.
Molecular consequence: missense variant.
Genome position (GRCh38, 1-based): chr10:93,659,161, A>C. VCF-style: chr10-93659161-A-C. GRCh37 (hg19) VCF-style: chr10-95418918-A-C.
Other names: short protein forms Q734H.
Identifiers: ClinVar variation 1060623 (VCV001060623.9), dbSNP rs2133877393, ClinGen allele CA377625165.
Genomic context (GRCh38, chr10:93,659,161, plus strand): 5'-AAGGGCAATGATGATGACGGCATGTGACTTGTCTGCTATTACCAAGCCCTGGGAGGTGCA[A>C]AGTCAGGTGAGTCCAGTTAAGTTTTCTTTTCTGTCACACTGTCAGGTACTGCCTAGGTCC-3'
Protein context (NP_006195.3, residues 724-744): LSAITKPWEV[Gln734His]SQVALMVANE

ClinVar aggregate classification (germline): Uncertain significance (1 of 4 stars; one submission).

Allele frequency attached by ClinVar (database versions not stated): gnomAD exomes below 0.00001.
gnomAD v4.1: 1 of 1,607,022 alleles (0.000062%); highest among the groups gnomAD compares: East Asian, 0.0022%; no homozygotes.

Submission:

Labcorp Genetics (formerly Invitae), Labcorp
Classification: Uncertain significance. Last evaluated: 2021-01-04. Review status: criteria provided, single submitter. Criteria: Invitae Variant Classification Sherloc (09022015). Collection method: clinical testing. Allele origin: germline.
Comment: This sequence change replaces glutamine with histidine at codon 734 of the PDE6C protein (p.Gln734His). The glutamine residue is highly conserved and there is a small physicochemical difference between glutamine and histidine. In summary, the available evidence is currently insufficient to determine the role of this variant in disease. Therefore, it has been classified as a Variant of Uncertain Significance. Algorithms developed to predict the effect of missense changes on protein structure and function are either unavailable or do not agree on the potential impact of this missense change (SIFT: "Deleterious"; PolyPhen-2: "Probably Damaging"; Align-GVGD: "Class C0"). This variant has been observed in individual(s) with cone dystrophy (Invitae). This variant is not present in population databases (ExAC no frequency).